The following is an entry in ClinVar:

ClinVar aggregate classification (germline): Conflicting classifications of pathogenicity. Review status: criteria provided, conflicting classifications (1 of 4 stars). 6 submissions from 6 submitters: Pathogenic (1); Uncertain significance (5). Last evaluated 2026-09-30.

Conditions:
Inborn genetic diseases. Identifiers: MedGen C0950123, MeSH D030342.
Charcot-Marie-Tooth disease, type I (CMT1). Also called: Charcot-Marie-Tooth, Type 1; Charcot-Marie-Tooth disease type 1. Identifiers: Orphanet 65753, MedGen C0751036, MONDO:0019011.
MPZ-related disorder. Also called: MPZ-related disorders; MPZ-related condition.

Allele frequency attached by ClinVar (database versions not stated): gnomAD 0.00001; TOPMed 0.00003; gnomAD exomes 0.00002.

Submissions (6):

GeneDx
Classification: Uncertain significance. Last evaluated: 2026-09-30. Review status: criteria provided, single submitter. Criteria: GeneDx Variant Classification Process June 2021. Collection method: clinical testing. Allele origin: germline.
Comment: Observed in an individual with neuropathy in published literature; however, the authors classified the variant as a variant of uncertain significance (PMID: 25614874); Missense variants in this gene are a common cause of disease and they are underrepresented in the general population; In silico analysis suggests that this missense variant does not alter protein structure/function; This variant is associated with the following publications: (PMID: 27535533, 26135405, 25614874, 20461396, 26310628)

Ambry Genetics
Classification: Uncertain significance for Inborn genetic diseases. Last evaluated: 2026-01-21. Review status: criteria provided, single submitter. Criteria: Ambry Variant Classification Scheme 2023. Collection method: clinical testing. Allele origin: germline.
Comment: The c.385G>A (p.V129I) alteration is located in exon 3 (coding exon 3) of the MPZ gene. This alteration results from a G to A substitution at nucleotide position 385, causing the valine (V) at amino acid position 129 to be replaced by an isoleucine (I). The alteration is rare in population databases: Based on data from the Genome Aggregation Database (gnomAD), the c.385G>A alteration was observed in 0.002% (4/251,496) of total alleles studied. The altered amino acid is conserved throughout evolution: The p.V129 amino acid is conserved in available vertebrate species down to fish. The alteration is predicted inconclusive by in silico modeling: The in silico prediction for the p.V129I alteration is inconclusive. Based on insufficient or conflicting evidence, the clinical significance of this alteration remains unclear.

Labcorp Genetics (formerly Invitae), Labcorp
Classification: Uncertain significance for Charcot-Marie-Tooth disease, type I. Last evaluated: 2025-12-20. Review status: criteria provided, single submitter. Criteria: Invitae Variant Classification Sherloc (09022015). Collection method: clinical testing. Allele origin: germline.
Comment: This sequence change replaces valine, which is neutral and non-polar, with isoleucine, which is neutral and non-polar, at codon 129 of the MPZ protein (p.Val129Ile). This variant is present in population databases (rs201156403, gnomAD 0.01%). This missense change has been observed in individuals with clinical features of Charcot-Marie-Tooth disease (internal data). Invitae Evidence Modeling of clinical and family history, age, sex, and reported ancestry of multiple individuals with this MPZ variant has been performed. This variant is expected to be benign with a negative predictive value of at least 95%. This is a validated machine learning model that incorporates the clinical features of 13,236 individuals referred to our laboratory for MPZ testing. ClinVar contains an entry for this variant (Variation ID: 447729). Invitae Evidence Modeling of protein sequence and biophysical properties (such as structural, functional, and spatial information, amino acid conservation, physicochemical variation, residue mobility, and thermodynamic stability) indicates that this missense variant is not expected to disrupt MPZ protein function with a negative predictive value of 80%. In summary, the available evidence is currently insufficient to determine the role of this variant in disease. Therefore, it has been classified as a Variant of Uncertain Significance.

PreventionGenetics, part of Exact Sciences
Classification: Uncertain significance for MPZ-related condition. Last evaluated: 2025-07-29. Review status: criteria provided, single submitter. Criteria: ACMG Guidelines, 2015. Collection method: clinical testing. Allele origin: germline.
Comment: The MPZ c.385G>A variant is predicted to result in the amino acid substitution p.Val129Ile. This variant has been reported as a variant of uncertain significance in a large cohort study of individuals with Charcot-Marie-Tooth disease (Supp. Table 2. DiVincenzo et al. 2014. PubMed ID: 25614874). This variant is reported in 0.012% of alleles in individuals of African descent in gnomAD. At this time, the clinical significance of this variant is uncertain due to the absence of conclusive functional and genetic evidence.

Mayo Clinic Laboratories, Mayo Clinic
Classification: Uncertain significance. Last evaluated: 2024-09-17. Review status: criteria provided, single submitter. Criteria: ACMG Guidelines, 2015. Collection method: clinical testing. Allele origin: germline. Observed: 1 variant allele.
Comment: PP2, PM1, PM2

Athena Diagnostics
Classification: Pathogenic. Last evaluated: 2024-01-05. Review status: criteria provided, single submitter. Criteria: Athena Diagnostics Criteria. Collection method: clinical testing. Allele origin: unknown.
Comment: The frequency of this variant in the general population is consistent with pathogenicity. This variant has been identified in at least one individual with Charcot-Marie-Tooth disease. In our internal patient population, this variant is statistically more frequent than in the general population, which is weak evidence this variant may be disease causing. This variant occurs as the most likely explanation for disease in a significant number of internal cases, suggesting this variant is associated with disease. The variant is located in a region that is considered important for protein function and/or structure.

Literature cited by the submitters: PubMed 26135405 (cited by Mayo Clinic Laboratories, Mayo Clinic).

NM_000530.8(MPZ):c.385G>A (p.Val129Ile)

Gene: MPZ (myelin protein zero; minus strand). Cytogenetic location: 1q23.3.
Variant type: single nucleotide variant.
Coding change: c.385G>A on transcript NM_000530.8 (MANE Select); coding-DNA position 385, G replaced by A.
Protein change: p.Val129Ile; replaces valine 129 with isoleucine.
Molecular consequence: missense variant.
Genome position (GRCh38, 1-based): chr1:161,306,771, C>T on the plus strand (G>A on the coding strand, the complement: MPZ is on the minus strand). VCF-style: chr1-161306771-C-T. GRCh37 (hg19) VCF-style: chr1-161276561-C-T.
Other names: c.385G>A (LRG_256t1, NM_000530.7); c.385G>A, p.Val129Ile (NM_001315491.2); short protein forms V129I.
Identifiers: ClinVar variation 447729 (VCV000447729.20), dbSNP rs201156403, ClinGen allele CA31668684.